The following is an entry in ClinVar:

NM_000135.4(FANCA):c.3560G>A (p.Arg1187Lys)

Gene: FANCA (FA complementation group A; minus strand). Cytogenetic location: 16q24.3.
Variant type: single nucleotide variant.
Coding change: c.3560G>A on transcript NM_000135.4 (MANE Select); coding-DNA position 3560, G replaced by A.
Protein change: p.Arg1187Lys; replaces arginine 1187 with lysine.
Molecular consequence: missense variant.
Genome position (GRCh38, 1-based): chr16:89,745,025, C>T on the plus strand (G>A on the coding strand, the complement: FANCA is on the minus strand). VCF-style: chr16-89745025-C-T. GRCh37 (hg19) VCF-style: chr16-89811433-C-T.
Other names: c.3560G>A, p.Arg1187Lys (NM_001286167.3); short protein forms R1187K.
Identifiers: ClinVar variation 2723276 (VCV002723276.5), dbSNP rs1003650178, ClinGen allele CA286623578.

ClinVar aggregate classification (germline): Uncertain significance. Review status: criteria provided, multiple submitters, no conflicts (2 of 4 stars). 3 submissions from 3 submitters: Uncertain significance (3). Last evaluated 2025-06-21.

Conditions:
Inborn genetic diseases. Identifiers: MedGen C0950123, MeSH D030342.
Fanconi anemia (FA). Also called: Fanconi's anemia. Identifiers: Orphanet 84, MedGen C0015625, MeSH D005199, MONDO:0019391.
Fanconi anemia complementation group A (FANCA). Also called: FANCA-Related Fanconi Anemia; Fanconi anemia, group A. Identifiers: Orphanet 84, MedGen C3469521, MONDO:0009215, OMIM 227650.

Allele frequency attached by ClinVar (database versions not stated): gnomAD 0.00003; TOPMed 0.00003.
gnomAD v4.1: 5 of 1,610,458 alleles (0.00031%); highest among the groups gnomAD compares: African/African-American, 0.0067%; no homozygotes.

Submissions (3):

Ambry Genetics
Classification: Uncertain significance for Inborn genetic diseases. Last evaluated: 2025-06-21. Review status: criteria provided, single submitter. Criteria: Ambry Variant Classification Scheme 2023. Collection method: clinical testing. Allele origin: germline.
Comment: The p.R1187K variant (also known as c.3560G>A), located in coding exon 36 of the FANCA gene, results from a G to A substitution at nucleotide position 3560. The arginine at codon 1187 is replaced by lysine, an amino acid with highly similar properties. This amino acid position is conserved. In addition, this alteration is predicted to be tolerated by in silico analysis. Based on the available evidence, the clinical significance of this variant remains unclear.

Fulgent Genetics
Classification: Uncertain significance for Fanconi anemia complementation group A. Last evaluated: 2024-05-08. Review status: criteria provided, single submitter. Criteria: ACMG Guidelines, 2015. Collection method: clinical testing. Allele origin: germline.

Labcorp Genetics (formerly Invitae), Labcorp
Classification: Uncertain significance for Fanconi anemia. Last evaluated: 2023-07-26. Review status: criteria provided, single submitter. Criteria: Invitae Variant Classification Sherloc (09022015). Collection method: clinical testing. Allele origin: germline.
Comment: In summary, the available evidence is currently insufficient to determine the role of this variant in disease. Therefore, it has been classified as a Variant of Uncertain Significance. Advanced modeling of protein sequence and biophysical properties (such as structural, functional, and spatial information, amino acid conservation, physicochemical variation, residue mobility, and thermodynamic stability) performed at Invitae indicates that this missense variant is not expected to disrupt FANCA protein function. This variant has not been reported in the literature in individuals affected with FANCA-related conditions. This variant is present in population databases (no rsID available, gnomAD 0.01%). This sequence change replaces arginine, which is basic and polar, with lysine, which is basic and polar, at codon 1187 of the FANCA protein (p.Arg1187Lys).